The following is an entry in ClinVar:

NM_000054.7(AVPR2):c.440C>T (p.Ala147Val)

Gene: AVPR2 (arginine vasopressin receptor 2; plus strand). Cytogenetic location: Xq28.
Variant type: single nucleotide variant.
Coding change: c.440C>T on transcript NM_000054.7 (MANE Select); coding-DNA position 440, C replaced by T.
Protein change: p.Ala147Val; replaces alanine 147 with valine.
Molecular consequence: missense variant.
Genome position (GRCh38, 1-based): chrX:153,905,946, C>T. VCF-style: chrX-153905946-C-T. GRCh37 (hg19) VCF-style: chrX-153171400-C-T.
Other names: c.440C>T, p.Ala147Val (NM_001146151.3); c.440C>T (NM_000054.6); short protein forms A147V.
Identifiers: ClinVar variation 254774 (VCV000254774.17), dbSNP rs5200, ClinGen allele CA10555004.
Genomic context (GRCh38, chrX:153,905,946, plus strand): 5'-CCTACATGATCCTGGCCATGACGCTGGACCGCCACCGTGCCATCTGCCGTCCCATGCTGG[C>T]GTACCGCCATGGAAGTGGGGCTCACTGGAACCGGCCGGTGCTAGTGGCTTGGGCCTTCTC-3'
Protein context (NP_000045.1, residues 137-157): RHRAICRPML[Ala147Val]YRHGSGAHWN

ClinVar aggregate classification (germline): Benign. Review status: criteria provided, multiple submitters, no conflicts (2 of 4 stars). 5 submissions from 5 submitters: Benign (5). Last evaluated 2026-01-28.

Conditions:
Diabetes insipidus, nephrogenic, X-linked. Also called: Nephrogenic Diabetes Insipidus, Type I. Identifiers: Orphanet 223, MedGen C1563705, MONDO:0010581, OMIM 304800.

Allele frequency attached by ClinVar (database versions not stated): gnomAD exomes 0.00151 and 0.00502; ExAC 0.00604; gnomAD 0.01542 and 0.01635; TOPMed 0.01776; ESP Exome Variant Server 0.02054; 1000 Genomes Project 0.02411; 1000 Genomes Project 30x 0.02477.
gnomAD v4.1: 3,504 of 1,203,388 alleles (0.29%); highest among the groups gnomAD compares: African/African-American, 5.2%; 59 homozygotes.

Submissions (5):

Labcorp Genetics (formerly Invitae), Labcorp
Classification: Benign. Last evaluated: 2026-01-28. Review status: criteria provided, single submitter. Criteria: Invitae Variant Classification Sherloc (09022015). Collection method: clinical testing. Allele origin: germline.

Mayo Clinic Laboratories, Mayo Clinic
Classification: Benign. Last evaluated: 2023-04-11. Review status: criteria provided, single submitter. Criteria: ACMG Guidelines, 2015. Collection method: clinical testing. Allele origin: germline. Observed: 4 variant alleles.

Illumina Laboratory Services, Illumina
Classification: Benign for Diabetes insipidus, nephrogenic, X-linked. Last evaluated: 2017-04-28. Review status: criteria provided, single submitter. Criteria: ICSL Variant Classification Criteria 13 December 2019. Collection method: clinical testing. Allele origin: germline.
Comment: This variant was observed as part of a predisposition screen in an ostensibly healthy population. A literature search was performed for the gene, cDNA change, and amino acid change (where applicable). Publications were found based on this search. The evidence from the literature, in combination with allele frequency data from public databases where available, was sufficient to rule this variant out of causing disease. Therefore, this variant is classified as benign.

Breakthrough Genomics
Classification: Benign. Review status: criteria provided, single submitter. Criteria: ACMG Guidelines, 2015. Collection method: not provided. Allele origin: germline. Inheritance: X-linked inheritance. Affected: yes.

PreventionGenetics, part of Exact Sciences
Classification: Benign. Review status: criteria provided, single submitter. Criteria: ACMG Guidelines, 2015. Collection method: clinical testing. Allele origin: germline.

Literature cited by the submitters: PubMed 9402087 (cited by Illumina Laboratory Services, Illumina); PubMed 8037205 (cited by Illumina Laboratory Services, Illumina).